The following is an entry in ClinVar:

NM_001330078.2(NRXN1):c.2714A>C (p.Asp905Ala)

Gene: NRXN1 (neurexin 1; minus strand). Cytogenetic location: 2p16.3.
Variant type: single nucleotide variant.
Coding change: c.2714A>C on transcript NM_001330078.2 (MANE Select); coding-DNA position 2714, A replaced by C.
Protein change: p.Asp905Ala; replaces aspartic acid 905 with alanine.
Molecular consequence: missense variant.
Genome position (GRCh38, 1-based): chr2:50,497,498, T>G on the plus strand (A>C on the coding strand, the complement: NRXN1 is on the minus strand). VCF-style: chr2-50497498-T-G. GRCh37 (hg19) VCF-style: chr2-50724636-T-G.
Other names: c.2834A>C, p.Asp945Ala (NM_001135659.3); c.2690A>C, p.Asp897Ala (NM_001330077.2, NM_001330082.2); c.2648A>C, p.Asp883Ala (NM_001330083.2, NM_001330084.2); c.2687A>C, p.Asp896Ala (NM_001330085.2); c.2714A>C, p.Asp905Ala (NM_001330086.2, NM_004801.6); c.2603A>C, p.Asp868Ala (NM_001330087.2, NM_001330096.2); c.2633A>C, p.Asp878Ala (NM_001330088.2); c.2711A>C, p.Asp904Ala (NM_001330093.2); and 2 more; short protein forms D868A, D904A, D901A, D905A, D878A, D883A, D945A, D888A.
Identifiers: ClinVar variation 853085 (VCV000853085.8), dbSNP rs771543732, ClinGen allele CA1654741.

ClinVar aggregate classification (germline): Uncertain significance (1 of 4 stars; one submission).

Conditions:
Pitt-Hopkins-like syndrome 2 (PTHSL2). Identifiers: Orphanet 221150, Orphanet 600663, MedGen C3280479, MONDO:0013690, OMIM 614325.

Allele frequency attached by ClinVar (database versions not stated): ExAC 0.00001; gnomAD 0.00001; gnomAD exomes 0.00001; TOPMed 0.00002.
gnomAD v4.1: 20 of 1,613,780 alleles (0.0012%); highest among the groups gnomAD compares: Middle Eastern, 0.016%; no homozygotes.

Submission:

Labcorp Genetics (formerly Invitae), Labcorp
Classification: Uncertain significance for Pitt-Hopkins-like syndrome 2. Last evaluated: 2023-11-27. Review status: criteria provided, single submitter. Criteria: Invitae Variant Classification Sherloc (09022015). Collection method: clinical testing. Allele origin: germline.
Comment: This sequence change replaces aspartic acid, which is acidic and polar, with alanine, which is neutral and non-polar, at codon 945 of the NRXN1 protein (p.Asp945Ala). This variant is present in population databases (rs771543732, gnomAD 0.003%). This variant has not been reported in the literature in individuals affected with NRXN1-related conditions. ClinVar contains an entry for this variant (Variation ID: 853085). An algorithm developed to predict the effect of missense changes on protein structure and function (PolyPhen-2) suggests that this variant is likely to be disruptive. In summary, the available evidence is currently insufficient to determine the role of this variant in disease. Therefore, it has been classified as a Variant of Uncertain Significance.